The following is an entry in ClinVar:

ClinVar aggregate classification (germline): Uncertain significance. Review status: criteria provided, multiple submitters, no conflicts (2 of 4 stars). 3 submissions from 3 submitters: Uncertain significance (2). 1 of the submissions does not count toward it. Last evaluated 2025-03-04.

Conditions:
Hereditary cancer-predisposing syndrome. Also called: Tumor predisposition; Neoplastic Syndromes, Hereditary; Hereditary neoplastic syndrome; Hereditary Cancer Syndrome. Identifiers: Orphanet 140162, MedGen C0027672, MeSH D009386, MONDO:0015356.
BRCA1-related disorder. Also called: BRCA1-related condition.
Hereditary breast ovarian cancer syndrome. Also called: BRCA1- and BRCA2-Associated Hereditary Breast and Ovarian Cancer; Hereditary breast and/or ovarian cancer syndrome; Hereditary breast and ovarian cancer syndrome; Hereditary breast and ovarian cancer; Hereditary breast and ovarian cancer syndrome (HBOC); Breast and ovarian cancer. Identifiers: Orphanet 145, MedGen C0677776, MeSH D061325, MONDO:0003582. Disease mechanism: loss of function.

Submissions (3):

Ambry Genetics
Classification: Uncertain significance for Hereditary cancer-predisposing syndrome. Last evaluated: 2025-03-04. Review status: criteria provided, single submitter. Criteria: Ambry Variant Classification Scheme 2023. Collection method: clinical testing. Allele origin: germline.
Comment: The c.373_375delATC variant (also known as p.I125del) is located in coding exon 5 of the BRCA1 gene. This variant results from an in-frame ATC deletion at nucleotide positions 373 to 375. This results in the in-frame deletion of an isoleucine at codon 125. This amino acid position is highly conserved in available vertebrate species. In addition, this alteration is predicted to be neutral by in silico analysis (Choi Y et al. PLoS ONE. 2012; 7(10):e46688). Based on the available evidence, the clinical significance of this variant remains unclear.

Labcorp Genetics (formerly Invitae), Labcorp
Classification: Uncertain significance for Hereditary breast ovarian cancer syndrome. Last evaluated: 2023-12-17. Review status: criteria provided, single submitter. Criteria: Invitae Variant Classification Sherloc (09022015). Collection method: clinical testing. Allele origin: germline.
Comment: This variant, c.373_375del, results in the deletion of 1 amino acid(s) of the BRCA1 protein (p.Ile125del), but otherwise preserves the integrity of the reading frame. This variant is not present in population databases (gnomAD no frequency). This variant has not been reported in the literature in individuals affected with BRCA1-related conditions. Experimental studies and prediction algorithms are not available or were not evaluated, and the functional significance of this variant is currently unknown. In summary, the available evidence is currently insufficient to determine the role of this variant in disease. Therefore, it has been classified as a Variant of Uncertain Significance.

PreventionGenetics, part of Exact Sciences
Classification: Uncertain significance for BRCA1-related condition. Last evaluated: 2024-05-10. Review status: no assertion criteria provided. Collection method: clinical testing. Allele origin: germline. Not counted in ClinVar's aggregate classification.
Comment: The BRCA1 c.373_375delATC variant is predicted to result in an in-frame deletion (p.Ile125del). To our knowledge, this variant has not been reported in the literature or in a large population database, indicating this variant is rare. In ClinVar, this variant is interpreted as uncertain. At this time, the clinical significance of this variant is uncertain due to the absence of conclusive functional and genetic evidence.

NM_007294.4(BRCA1):c.370ATC[1] (p.Ile125del)

Gene: BRCA1 (BRCA1 DNA repair associated; minus strand). Cytogenetic location: 17q21.31.
Variant type: Microsatellite.
Coding change: c.370ATC[1] on transcript NM_007294.4 (MANE Select); one copy of the 3-base unit ATC starting at c.370; the reference has two copies in a row; one copy, 3 bases deleted.
Protein change: p.Ile125del; deletes isoleucine 125.
Molecular consequence: inframe deletion. On other transcripts: inframe indel (357), non-coding transcript variant (1).
Genome position (GRCh38, 1-based): chr17:43,104,188-43,104,190, GAT deleted on the plus strand (ATC on the coding strand, the reverse complement: BRCA1 is on the minus strand); deleting any 3 consecutive bases within chr17:43,104,188-43,104,193 gives the same sequence; the position shown is the placement nearest the transcript's 3' end. VCF-style (leftmost placement, unchanged base first): chr17-43104187-GGAT-G. GRCh37 (hg19) VCF-style: chr17-41256204-GGAT-G.
Other names: c.160_162ATC[1], p.Ile55del (NM_001407571.1, NM_001407853.1, NM_001407879.1 and 58 more transcripts); c.370_372ATC[1], p.Ile125del (NM_001407581.1, NM_001407582.1, NM_001407583.1 and 164 more transcripts); c.361_363ATC[1], p.Ile122del (NM_001407646.1, NM_001407647.1, NM_001408408.1); c.292_294ATC[1], p.Ile99del (NM_001407653.1, NM_001407654.1, NM_001407655.1 and 21 more transcripts); c.229_231ATC[1], p.Ile78del (NM_001407692.1, NM_001407694.1, NM_001407695.1 and 98 more transcripts); c.-12_-10ATC[1] (NM_001407959.1, NM_001407960.1, NM_001407962.1 and 4 more transcripts); c.238_240ATC[1], p.Ile81del (NM_001408451.1); c.229ATC[1], p.Ile78del (NM_007297.4); and 2 more; short protein forms I125del, I78del, I81del, I99del, I122del, I55del.
Identifiers: ClinVar variation 1019499 (VCV001019499.12), dbSNP rs2054629278, ClinGen allele CA2260790439.